The following is an entry in ClinVar:

NM_012144.4(DNAI1):c.48+6G>A

Gene: DNAI1 (dynein axonemal intermediate chain 1; plus strand). Cytogenetic location: 9p13.3.
Variant type: single nucleotide variant.
Coding change: c.48+6G>A on transcript NM_012144.4 (MANE Select); 6 bases into the intron after coding-DNA position 48, G replaced by A.
Molecular consequence: intron variant.
Genome position (GRCh38, 1-based): chr9:34,459,059, G>A. VCF-style: chr9-34459059-G-A. GRCh37 (hg19) VCF-style: chr9-34459057-G-A.
Other names: c.48+6G>A (NM_001281428.2).
Identifiers: ClinVar variation 1934874 (VCV001934874.2), dbSNP rs962155265, ClinGen allele CA2580080357.

ClinVar aggregate classification (germline): Uncertain significance (1 of 4 stars; one submission).

Conditions:
Primary ciliary dyskinesia. Also called: Ciliary dyskinesia. Identifiers: Orphanet 244, MedGen C0008780, MONDO:0016575, HP:0012265.

gnomAD v4.1: 1 of 1,613,786 alleles (0.000062%); highest among the groups gnomAD compares: Non-Finnish European, 0.000085%; no homozygotes.

Submission:

Labcorp Genetics (formerly Invitae), Labcorp
Classification: Uncertain significance for Primary ciliary dyskinesia. Last evaluated: 2021-03-09. Review status: criteria provided, single submitter. Criteria: Invitae Variant Classification Sherloc (09022015). Collection method: clinical testing. Allele origin: germline.
Comment: This sequence change falls in intron 1 of the DNAI1 gene. It does not directly change the encoded amino acid sequence of the DNAI1 protein. It affects a nucleotide within the consensus splice site of the intron. This variant is not present in population databases (ExAC no frequency). This variant has not been reported in the literature in individuals with DNAI1-related conditions. Nucleotide substitutions within the consensus splice site are a relatively common cause of aberrant splicing (PMID: 17576681, 9536098). Algorithms developed to predict the effect of sequence changes on RNA splicing suggest that this variant may disrupt the consensus splice site, but this prediction has not been confirmed by published transcriptional studies. In summary, the available evidence is currently insufficient to determine the role of this variant in disease. Therefore, it has been classified as a Variant of Uncertain Significance.

Literature cited by the submitters: PubMed 17576681; PubMed 9536098.